The following is an entry in ClinVar:

ClinVar aggregate classification (germline): Uncertain significance (1 of 4 stars; one submission).

Submission:

Labcorp Genetics (formerly Invitae), Labcorp
Classification: Uncertain significance. Last evaluated: 2022-02-28. Review status: criteria provided, single submitter. Criteria: Invitae Variant Classification Sherloc (09022015). Collection method: clinical testing. Allele origin: germline.
Comment: In summary, the available evidence is currently insufficient to determine the role of this variant in disease. Therefore, it has been classified as a Variant of Uncertain Significance. Algorithms developed to predict the effect of missense changes on protein structure and function (SIFT, PolyPhen-2, Align-GVGD) all suggest that this variant is likely to be tolerated. This variant has not been reported in the literature in individuals affected with NEUROD1-related conditions. This variant is not present in population databases (gnomAD no frequency). This sequence change replaces methionine, which is neutral and non-polar, with isoleucine, which is neutral and non-polar, at codon 334 of the NEUROD1 protein (p.Met334Ile).

NM_002500.5(NEUROD1):c.1002G>A (p.Met334Ile)

Gene: NEUROD1 (neuronal differentiation 1; minus strand). Cytogenetic location: 2q31.3.
Variant type: single nucleotide variant.
Coding change: c.1002G>A on transcript NM_002500.5 (MANE Select); coding-DNA position 1002, G replaced by A.
Protein change: p.Met334Ile; replaces methionine 334 with isoleucine.
Molecular consequence: missense variant.
Genome position (GRCh38, 1-based): chr2:181,677,859, C>T on the plus strand (G>A on the coding strand, the complement: NEUROD1 is on the minus strand). VCF-style: chr2-181677859-C-T. GRCh37 (hg19) VCF-style: chr2-182542586-C-T.
Other names: short protein forms M334I.
Identifiers: ClinVar variation 1959797 (VCV001959797.5), dbSNP rs2468608729, ClinGen allele CA349782205.
Genomic context (GRCh38, chr2:181,677,859, plus strand): 5'-AAATATGGCATTGAGCTGGGCACTCATGACTCGCTCATGATGTGAATGGCTATCGAAGGA[C>T]ATAATATTGTCTATGGGGATCTCGCAGCGAGGGGCAGCGGTGCCTGAGAAGATTGATCCG-3'
Protein context (NP_002491.3, residues 324-344): PRCEIPIDNI[Met334Ile]SFDSHSHHER